The following is an entry in ClinVar:

NM_001199107.2(TBC1D24):c.-4C>T

Gene: TBC1D24 (TBC1 domain family member 24; plus strand). Cytogenetic location: 16p13.3.
Variant type: single nucleotide variant.
Coding change: c.-4C>T on transcript NM_001199107.2 (MANE Select); 4 bases upstream of the start codon, C replaced by T.
Molecular consequence: 5 prime UTR variant.
Genome position (GRCh38, 1-based): chr16:2,496,145, C>T. VCF-style: chr16-2496145-C-T. GRCh37 (hg19) VCF-style: chr16-2546146-C-T.
Other names: c.-4C>T (NM_020705.3).
Identifiers: ClinVar variation 195133 (VCV000195133.13), dbSNP rs202124579, ClinGen allele CA241418.
Genomic context (GRCh38, chr16:2,496,145, plus strand): 5'-GGATTTAGCCACTCTGTCCTCCCCTTCCGGCAGTCCAGGGCCTCCTCCCGAGCACAGCGG[C>T]GCTATGGACTCTCCAGGATACAACTGCTTCGTGGACAAAGACAAGATGGACGCTGCCATC-3'

ClinVar aggregate classification (germline): Uncertain significance. Review status: criteria provided, multiple submitters, no conflicts (2 of 4 stars). 3 submissions from 3 submitters: Uncertain significance (3). Last evaluated 2018-09-06.

Conditions:
Familial infantile myoclonic epilepsy (FIME). Also called: Epilepsy, Myoclonic, Infantile; TBC1D24-Related Familial Infantile Myoclonic Epilepsy (FIME). Identifiers: Orphanet 352582, MedGen C0917800, MONDO:0011506, OMIM 605021.

Allele frequency attached by ClinVar (database versions not stated): TOPMed 0.00004; 1000 Genomes Project 0.00060; 1000 Genomes Project 30x 0.00031.
gnomAD v4.1: 140 of 1,613,742 alleles (0.0087%); highest among the groups gnomAD compares: East Asian, 0.28%; 2 homozygotes.

Submissions (3):

Laboratory for Molecular Medicine, Mass General Brigham Personalized Medicine
Classification: Uncertain significance. Last evaluated: 2018-09-06. Review status: criteria provided, single submitter. Criteria: LMM Criteria. Collection method: clinical testing. Allele origin: germline. Observed: 1 variant allele.
Comment: The c.-4C>T variant in TBC1D24 has not been previously reported in individuals w ith hearing loss, DOOR syndrome, or epilepsy, but has been identified in 0.017% (3/17226) of East Asian chromosomes by the Genome Aggregation Database (gnomAD). This variant has also been reported in ClinVa r (Variation ID 195133). This variant is located in the 5' untranslated region, and it is unknown whether it affects protein function. In summary, the clinical significance of this variant is uncertain. ACMG/AMP Criteria applied: none.

Illumina Laboratory Services, Illumina
Classification: Uncertain significance for Familial infantile myoclonic epilepsy. Last evaluated: 2018-01-12. Review status: criteria provided, single submitter. Criteria: ICSL Variant Classification Criteria 13 December 2019. Collection method: clinical testing. Allele origin: germline.

Eurofins Ntd Llc (ga)
Classification: Uncertain significance. Last evaluated: 2015-02-14. Review status: criteria provided, single submitter. Criteria: EGL Classification Definitions 2015. Collection method: clinical testing. Allele origin: germline. Observed: 1 variant allele, 1 heterozygote.